The following is an entry in ClinVar:

ClinVar aggregate classification (germline): Conflicting classifications of pathogenicity. Review status: criteria provided, conflicting classifications (1 of 4 stars). 7 submissions from 3 submitters: Uncertain significance (4); Likely benign (3). Last evaluated 2025-04-16.

Conditions:
Autosomal recessive limb-girdle muscular dystrophy type 2J (LGMDR10). Also called: Limb-girdle muscular dystrophy, type 2J; MUSCULAR DYSTROPHY, LIMB-GIRDLE, AUTOSOMAL RECESSIVE 10. Identifiers: Orphanet 140922, MedGen C1837342, MONDO:0012127, OMIM 608807.
Tibial muscular dystrophy (TMD). Also called: UDD MYOPATHY; Udd Distal Myopathy – Tibial Muscular Dystrophy; Tibial muscular dystrophy, tardive. Identifiers: Orphanet 609, MedGen C1838244, MONDO:0010870, OMIM 600334.
Dilated cardiomyopathy 1G (CMD1G). Identifiers: Orphanet 154, MedGen C1858763, MONDO:0011400, OMIM 604145.
Early-onset myopathy with fatal cardiomyopathy (CMYO5). Also called: CONGENITAL MYOPATHY 5 WITH CARDIOMYOPATHY; Salih Myopathy. Identifiers: Orphanet 289377, MedGen C2673677, MONDO:0012714, OMIM 611705. Disease mechanism: loss of function.
Myopathy, myofibrillar, 9, with early respiratory failure (MFM9). Also called: Hereditary myopathy with early respiratory failure; Myopathy, distal, with early respiratory failure, autosomal dominant; MYOPATHY, PROXIMAL, WITH EARLY RESPIRATORY MUSCLE INVOLVEMENT; EDSTROM MYOPATHY. Identifiers: Orphanet 178464, Orphanet 34521, MedGen C1863599, MONDO:0011362, OMIM 603689.

Allele frequency attached by ClinVar (database versions not stated): gnomAD 0.00001 and 0.00002; TOPMed 0.00001; ExAC 0.00002; gnomAD exomes 0.00002; ESP Exome Variant Server 0.00008.
gnomAD v4.1: 106 of 1,613,304 alleles (0.0066%); highest among the groups gnomAD compares: Non-Finnish European, 0.009%; no homozygotes.

Submissions (7):

Revvity Omics, Revvity
Classification: Uncertain significance. Last evaluated: 2025-04-16. Review status: criteria provided, single submitter. Criteria: ACMG Guidelines, 2015. Collection method: clinical testing. Allele origin: germline.

Blueprint Genetics
Classification: Likely benign. Last evaluated: 2022-03-01. Review status: criteria provided, single submitter. Criteria: ACMG Guidelines, 2015. Collection method: clinical testing. Allele origin: germline.

Illumina Laboratory Services, Illumina
Classification: Likely benign for Myopathy, myofibrillar, 9, with early respiratory failure. Last evaluated: 2018-01-13. Review status: criteria provided, single submitter. Criteria: ICSL Variant Classification Criteria 13 December 2019. Collection method: clinical testing. Allele origin: germline.
Comment: This variant was observed in the ICSL laboratory as part of a predisposition screen in an ostensibly healthy population. It had not been previously curated by ICSL or reported in the Human Gene Mutation Database (HGMD: prior to June 1st, 2018), and was therefore a candidate for classification through an automated scoring system. Utilizing variant allele frequency, disease prevalence and penetrance estimates, and inheritance mode, an automated score was calculated to assess if this variant is too frequent to cause the disease. Based on the score and internal cut-off values, a variant classified as likely benign is not then subjected to further curation. The score for this variant resulted in a classification of likely benign for this disease.

Illumina Laboratory Services, Illumina
Classification: Uncertain significance for Dilated cardiomyopathy 1G. Last evaluated: 2018-01-13. Review status: criteria provided, single submitter. Criteria: ICSL Variant Classification Criteria 13 December 2019. Collection method: clinical testing. Allele origin: germline.

Illumina Laboratory Services, Illumina
Classification: Uncertain significance for Autosomal recessive limb-girdle muscular dystrophy type 2J. Last evaluated: 2018-01-13. Review status: criteria provided, single submitter. Criteria: ICSL Variant Classification Criteria 13 December 2019. Collection method: clinical testing. Allele origin: germline.

Illumina Laboratory Services, Illumina
Classification: Likely benign for Tibial muscular dystrophy. Last evaluated: 2018-01-13. Review status: criteria provided, single submitter. Criteria: ICSL Variant Classification Criteria 13 December 2019. Collection method: clinical testing. Allele origin: germline.
Comment: the same text as in the submission from Illumina Laboratory Services, Illumina above.

Illumina Laboratory Services, Illumina
Classification: Uncertain significance for Early-onset myopathy with fatal cardiomyopathy. Last evaluated: 2018-01-13. Review status: criteria provided, single submitter. Criteria: ICSL Variant Classification Criteria 13 December 2019. Collection method: clinical testing. Allele origin: germline.

NM_001267550.2(TTN):c.32571G>T (p.Lys10857Asn)

Gene: TTN (titin; minus strand). Cytogenetic location: 2q31.2.
Variant type: single nucleotide variant.
Coding change: c.32571G>T on transcript NM_001267550.2 (MANE Select); coding-DNA position 32571, G replaced by T.
Protein change: p.Lys10857Asn; replaces lysine 10857 with asparagine.
Molecular consequence: missense variant. On other transcripts: intron variant (3).
Genome position (GRCh38, 1-based): chr2:178,684,733, C>A on the plus strand (G>T on the coding strand, the complement: TTN is on the minus strand). VCF-style: chr2-178684733-C-A. GRCh37 (hg19) VCF-style: chr2-179549460-C-A.
Other names: c.31620G>T, p.Lys10540Asn (NM_001256850.1); c.28839G>T, p.Lys9613Asn (NM_133378.4); c.13283-42416G>T (NM_003319.4); c.13859-42416G>T (NM_133437.4); c.13658-42416G>T (NM_133432.3); short protein forms K10540N, K10857N, K9613N.
Identifiers: ClinVar variation 893159 (VCV000893159.7), dbSNP rs370317568, ClinGen allele CA1998594.